The following is an entry in ClinVar:

NM_003235.5(TG):c.6390T>G (p.Cys2130Trp)

Gene: TG (thyroglobulin; plus strand). Cytogenetic location: 8q24.22.
Variant type: single nucleotide variant.
Coding change: c.6390T>G on transcript NM_003235.5 (MANE Select); coding-DNA position 6390, T replaced by G.
Protein change: p.Cys2130Trp; replaces cysteine 2130 with tryptophan.
Molecular consequence: missense variant.
Genome position (GRCh38, 1-based): chr8:133,012,028, T>G. VCF-style: chr8-133012028-T-G. GRCh37 (hg19) VCF-style: chr8-134024273-T-G.
Other names: short protein forms C2130W.
Identifiers: ClinVar variation 2431499 (VCV002431499.1), dbSNP rs1304348679, ClinGen allele CA372229853.
Genomic context (GRCh38, chr8:133,012,028, plus strand): 5'-TGATGTTGCCCATGTCAGCACTGCTGCCACCAGCAATTTCTCTGCTGTCCGAGACCTCTG[T>G]TTGTCGGGTAAGGGGAGTTTCCAACCCACAGGTTGGGTGGGACAAAACCTCACACAAGTG-3'
Protein context (NP_003226.4, residues 2120-2140): TSNFSAVRDL[Cys2130Trp]LSECSQHEAC

ClinVar aggregate classification (germline): Uncertain significance (1 of 4 stars; one submission).

Conditions:
Autoimmune thyroid disease, susceptibility to, 3. Identifiers: MedGen C1842444, MONDO:0011982, OMIM 608175.

Allele frequency attached by ClinVar (database versions not stated): TOPMed below 0.00001; gnomAD 0.00001.
gnomAD v4.1: 1 of 1,614,040 alleles (0.000062%); highest among the groups gnomAD compares: African/African-American, 0.0013%; no homozygotes.

Submission:

Laboratorio de Genetica e Diagnostico Molecular, Hospital Israelita Albert Einstein
Classification: Uncertain significance for Autoimmune thyroid disease, susceptibility to, 3. Last evaluated: 2022-12-22. Review status: criteria provided, single submitter. Criteria: ACMG Guidelines, 2015. Collection method: clinical testing. Allele origin: germline. Affected: yes. Observed: 1 variant allele.
Comment: ACMG classification criteria: PM2 moderated